The following is an entry in ClinVar:

NM_181882.3(PRX):c.993G>T (p.Pro331=)

Gene: PRX (periaxin; minus strand). Cytogenetic location: 19q13.2.
Variant type: single nucleotide variant.
Coding change: c.993G>T on transcript NM_181882.3 (MANE Select); coding-DNA position 993, G replaced by T.
Protein change: p.Pro331=; no amino-acid change (proline 331 retained).
Molecular consequence: synonymous variant. On other transcripts: 3 prime UTR variant (1).
Genome position (GRCh38, 1-based): chr19:40,397,359, C>A on the plus strand (G>T on the coding strand, the complement: PRX is on the minus strand). VCF-style: chr19-40397359-C-A. GRCh37 (hg19) VCF-style: chr19-40903266-C-A.
Other names: c.*1198G>T (NM_020956.2).
Identifiers: ClinVar variation 1330464 (VCV001330464.11), dbSNP rs146323928, ClinGen allele CA308421310.
Genomic context (GRCh38, chr19:40,397,359, plus strand): 5'-AGGTGCCTCTCCCCGGGCCTCCACCTCTGCACCCGGCAAGGCCAGGTCCACCCCCACAGT[C>A]GGTGCTGCCACATCCAGGGTGGGCACCACTACCGACACAGCCCCTTCCCGGGTCTCTAGG-3'
Protein context (NP_870998.2, residues 321-341): VVVPTLDVAA[Pro331=]TVGVDLALPG

ClinVar aggregate classification (germline): Likely benign. Review status: criteria provided, multiple submitters, no conflicts (2 of 4 stars). 2 submissions from 2 submitters: Likely benign (2). Last evaluated 2026-02-01.

Submissions (2):

CeGaT Center for Human Genetics Tuebingen
Classification: Likely benign. Last evaluated: 2026-02-01. Review status: criteria provided, single submitter. Criteria: CeGaT Center For Human Genetics Tuebingen Variant Classification Criteria Version 2. Collection method: clinical testing. Allele origin: germline. Affected: yes. Observed: 1 variant allele.
Comment: PRX: BP4, BP7

ARUP Laboratories, Molecular Genetics and Genomics, ARUP Laboratories
Classification: Likely benign. Last evaluated: 2021-09-15. Review status: criteria provided, single submitter. Criteria: ARUP Molecular Germline Variant Investigation Process 2021. Collection method: clinical testing. Allele origin: germline.